The following is an entry in ClinVar:

NM_000038.6(APC):c.1958+730T>A

Gene: APC (APC regulator of WNT signaling pathway; plus strand). Cytogenetic location: 5q22.2.
Variant type: single nucleotide variant.
Coding change: c.1958+730T>A on transcript NM_000038.6 (MANE Select); 730 bases into the intron after coding-DNA position 1958, T replaced by A.
Molecular consequence: intron variant.
Genome position (GRCh38, 1-based): chr5:112,835,895, T>A. VCF-style: chr5-112835895-T-A. GRCh37 (hg19) VCF-style: chr5-112171592-T-A.
Other names: c.1958+730T>A (NM_001354895.2, NM_001127510.3); c.1988+730T>A (NM_001354897.2); c.1685+730T>A (NM_001354902.2); c.1904+730T>A (NM_001127511.3); c.1883+730T>A (NM_001354898.2); c.1580+730T>A (NM_001354904.2); c.1109+730T>A (NM_001354906.2); c.2012+730T>A (NM_001354896.2); and 5 more.
Identifiers: ClinVar variation 83220 (VCV000083220.2), dbSNP rs77534058, ClinGen allele CA006722.

ClinVar aggregate classification (germline): other (0 of 4 stars; one submission).

Conditions:
Familial colorectal cancer. Identifiers: MedGen CN280943, MONDO:0023113. Disease mechanism: loss of function.

Submission:

Systems Biology Platform Zhejiang California International NanoSystems Institute
Classification: other for Familial colorectal cancer. Review status: no assertion criteria provided. Collection method: not provided. Allele origin: unknown.
ClinVar note: Converted during submission from cancer to other.